The following is an entry in ClinVar:

NM_000179.3(MSH6):c.2525C>G (p.Ala842Gly)

Gene: MSH6 (mutS homolog 6; plus strand). Cytogenetic location: 2p16.3.
Variant type: single nucleotide variant.
Coding change: c.2525C>G on transcript NM_000179.3 (MANE Select); coding-DNA position 2525, C replaced by G.
Protein change: p.Ala842Gly; replaces alanine 842 with glycine.
Molecular consequence: missense variant.
Genome position (GRCh38, 1-based): chr2:47,800,508, C>G. VCF-style: chr2-47800508-C-G. GRCh37 (hg19) VCF-style: chr2-48027647-C-G.
Other names: c.2135C>G, p.Ala712Gly (NM_001281492.2); c.1619C>G, p.Ala540Gly (NM_001281493.2, NM_001281494.2); short protein forms A842G, A540G, A712G.
Identifiers: ClinVar variation 233084 (VCV000233084.22), dbSNP rs876660180, ClinGen allele CA10577278.

ClinVar aggregate classification (germline): Uncertain significance. Review status: criteria provided, multiple submitters, no conflicts (2 of 4 stars). 4 submissions from 4 submitters: Uncertain significance (4). Last evaluated 2025-11-24.

Conditions:
Hereditary nonpolyposis colorectal neoplasms. Identifiers: MedGen C0009405, MeSH D003123.
Mismatch repair cancer syndrome 3. Identifiers: MedGen C5436807, MONDO:0030841, OMIM 619097.
Endometrial carcinoma. Also called: Endometrial carcinoma, somatic. Identifiers: MedGen C0476089, MONDO:0002447, OMIM 608089, HP:0012114.
Lynch syndrome 5 (LYNCH5). Also called: Colorectal cancer, hereditary nonpolyposis, type 5; Hereditary non-polyposis colorectal cancer, type 5. Identifiers: Orphanet 144, MedGen C1833477, MONDO:0013710, OMIM 614350. Disease mechanism: loss of function.
Hereditary cancer-predisposing syndrome. Also called: Neoplastic Syndromes, Hereditary; Tumor predisposition; Hereditary Cancer Syndrome; Hereditary neoplastic syndrome. Identifiers: Orphanet 140162, MedGen C0027672, MeSH D009386, MONDO:0015356.

Allele frequency attached by ClinVar (database versions not stated): TOPMed below 0.00001; gnomAD exomes 0.00001.
gnomAD v4.1: 7 of 1,612,936 alleles (0.00043%); highest among the groups gnomAD compares: Non-Finnish European, 0.00059%; no homozygotes.

Submissions (4):

Ambry Genetics
Classification: Uncertain significance for Hereditary cancer-predisposing syndrome. Last evaluated: 2025-11-24. Review status: criteria provided, single submitter. Criteria: Ambry Variant Classification Scheme 2023. Collection method: clinical testing. Allele origin: germline.
Comment: The p.A842G variant (also known as c.2525C>G), located in coding exon 4 of the MSH6 gene, results from a C to G substitution at nucleotide position 2525. The alanine at codon 842 is replaced by glycine, an amino acid with similar properties. This amino acid position is highly conserved in available vertebrate species. In addition, this alteration is predicted to be deleterious by in silico analysis. Since supporting evidence is limited at this time, the clinical significance of this alteration remains unclear.

Labcorp Genetics (formerly Invitae), Labcorp
Classification: Uncertain significance for Hereditary nonpolyposis colorectal neoplasms. Last evaluated: 2025-11-17. Review status: criteria provided, single submitter. Criteria: Invitae Variant Classification Sherloc (09022015). Collection method: clinical testing. Allele origin: germline.
Comment: This sequence change replaces alanine, which is neutral and non-polar, with glycine, which is neutral and non-polar, at codon 842 of the MSH6 protein (p.Ala842Gly). This variant is not present in population databases (gnomAD no frequency). This variant has not been reported in the literature in individuals affected with MSH6-related conditions. ClinVar contains an entry for this variant (Variation ID: 233084). Invitae Evidence Modeling of protein sequence and biophysical properties (such as structural, functional, and spatial information, amino acid conservation, physicochemical variation, residue mobility, and thermodynamic stability) has been performed for this missense variant. However, the output from this modeling did not meet the statistical confidence thresholds required to predict the impact of this variant on MSH6 protein function. In summary, the available evidence is currently insufficient to determine the role of this variant in disease. Therefore, it has been classified as a Variant of Uncertain Significance.

Department of Pathology and Laboratory Medicine, Sinai Health System
Classification: Uncertain significance for Endometrial carcinoma; Lynch syndrome 5; Mismatch repair cancer syndrome 3. Last evaluated: 2024-11-18. Review status: criteria provided, single submitter. Criteria: ACMG Guidelines, 2015. Collection method: clinical testing. Allele origin: germline.

GeneDx
Classification: Uncertain significance. Last evaluated: 2022-03-29. Review status: criteria provided, single submitter. Criteria: GeneDx Variant Classification Process June 2021. Collection method: clinical testing. Allele origin: germline. Affected: yes.
Comment: Not observed at significant frequency in large population cohorts (gnomAD); In silico analysis supports that this missense variant has a deleterious effect on protein structure/function; Has not been previously published as pathogenic or benign to our knowledge; This variant is associated with the following publications: (PMID: 22949387, 17531815, 21120944)